The following is an entry in ClinVar:

NM_052859.4(RFT1):c.154A>C (p.Thr52Pro)

Gene: RFT1 (RFT1 glycolipid translocator homolog; minus strand). Cytogenetic location: 3p21.1.
Variant type: single nucleotide variant.
Coding change: c.154A>C on transcript NM_052859.4 (MANE Select); coding-DNA position 154, A replaced by C.
Protein change: p.Thr52Pro; replaces threonine 52 with proline.
Molecular consequence: missense variant.
Genome position (GRCh38, 1-based): chr3:53,123,836, T>G on the plus strand (A>C on the coding strand, the complement: RFT1 is on the minus strand). VCF-style: chr3-53123836-T-G. GRCh37 (hg19) VCF-style: chr3-53157852-T-G.
Other names: short protein forms T52P.
Identifiers: ClinVar variation 1362440 (VCV001362440.3), dbSNP rs1702035840, ClinGen allele CA353222873.

ClinVar aggregate classification (germline): Uncertain significance (1 of 4 stars; one submission).

Conditions:
RFT1-congenital disorder of glycosylation (CDG1N). Also called: Congenital disorder of glycosylation type In; CDG In; RFT1-CDG. Identifiers: Orphanet 244310, MedGen C2677590, MONDO:0012783, OMIM 612015.

Allele frequency attached by ClinVar (database versions not stated): gnomAD exomes below 0.00001; TOPMed below 0.00001.
gnomAD v4.1: 4 of 1,612,946 alleles (0.00025%); highest among the groups gnomAD compares: Non-Finnish European, 0.00034%; no homozygotes.

Submission:

Labcorp Genetics (formerly Invitae), Labcorp
Classification: Uncertain significance for RFT1-congenital disorder of glycosylation. Last evaluated: 2021-11-03. Review status: criteria provided, single submitter. Criteria: Invitae Variant Classification Sherloc (09022015). Collection method: clinical testing. Allele origin: germline.
Comment: This sequence change replaces threonine, which is neutral and polar, with proline, which is neutral and non-polar, at codon 52 of the RFT1 protein (p.Thr52Pro). This variant is not present in population databases (gnomAD no frequency). This variant has not been reported in the literature in individuals affected with RFT1-related conditions. Algorithms developed to predict the effect of missense changes on protein structure and function are either unavailable or do not agree on the potential impact of this missense change (SIFT: "Tolerated"; PolyPhen-2: "Probably Damaging"; Align-GVGD: "Class C0"). In summary, the available evidence is currently insufficient to determine the role of this variant in disease. Therefore, it has been classified as a Variant of Uncertain Significance.